The following is an entry in ClinVar:

ClinVar aggregate classification (germline): Uncertain significance (1 of 4 stars; one submission).

Conditions:
Charcot-Marie-Tooth disease type 2B (CMT2B). Also called: CHARCOT-MARIE-TOOTH DISEASE, AUTOSOMAL DOMINANT, TYPE 2B; HEREDITARY MOTOR AND SENSORY NEUROPATHY IIB; CHARCOT-MARIE-TOOTH DISEASE, AXONAL, TYPE 2B; Charcot-Marie-Tooth Neuropathy Type 2B. Identifiers: Orphanet 99936, MedGen C1833219, MONDO:0010949, OMIM 600882.

Submissions (2):

Labcorp Genetics (formerly Invitae), Labcorp
Classification: Uncertain significance for Charcot-Marie-Tooth disease type 2B. Last evaluated: 2022-08-23. Review status: criteria provided, single submitter. Criteria: Invitae Variant Classification Sherloc (09022015). Collection method: clinical testing. Allele origin: germline.
Comment: This sequence change falls in intron 3 of the RAB7A gene. It does not directly change the encoded amino acid sequence of the RAB7A protein. It affects a nucleotide within the consensus splice site. This variant is not present in population databases (gnomAD no frequency). This variant has not been reported in the literature in individuals affected with RAB7A-related conditions. ClinVar contains an entry for this variant (Variation ID: 1447624). In summary, the available evidence is currently insufficient to determine the role of this variant in disease. Therefore, it has been classified as a Variant of Uncertain Significance. Variants that disrupt the consensus splice site are a relatively common cause of aberrant splicing (PMID: 17576681, 9536098). Algorithms developed to predict the effect of sequence changes on RNA splicing suggest that this variant is not likely to affect RNA splicing.

Dr. Peter K. Rogan Lab, Western University
No classification provided (evidence only). Condition: Ovarian serous cystadenocarcinoma. Review status: no classification provided. Collection method: in vitro. Allele origin: not applicable. Functional consequence: retained intron. Not counted in ClinVar's aggregate classification.

Literature cited by the submitters: PubMed 17576681 (cited by Labcorp Genetics (formerly Invitae), Labcorp); PubMed 9536098 (cited by Labcorp Genetics (formerly Invitae), Labcorp).

NM_004637.6(RAB7A):c.180+4A>T

Gene: RAB7A (RAB7A, member RAS oncogene family; plus strand). Cytogenetic location: 3q21.3.
Variant type: single nucleotide variant.
Coding change: c.180+4A>T on transcript NM_004637.6 (MANE Select); 4 bases into the intron after coding-DNA position 180, A replaced by T.
Molecular consequence: intron variant.
Genome position (GRCh38, 1-based): chr3:128,798,073, A>T. VCF-style: chr3-128798073-A-T. GRCh37 (hg19) VCF-style: chr3-128516916-A-T.
Identifiers: ClinVar variation 1447624 (VCV001447624.7), dbSNP rs1933611370, ClinGen allele CA1400875367.